The following is an entry in ClinVar:

NM_000051.4(ATM):c.8686C>T (p.Gln2896Ter)

Genes: ATM (ATM serine/threonine kinase; plus strand), C11orf65 (chromosome 11 open reading frame 65; minus strand). Cytogenetic location: 11q22.3.
Variant type: single nucleotide variant.
Coding change: c.8686C>T on transcript NM_000051.4 (MANE Select); coding-DNA position 8686, C replaced by T.
Protein change: p.Gln2896Ter; replaces glutamine 2896 with a stop codon.
Molecular consequence: nonsense. On other transcripts: intron variant (2).
Genome position (GRCh38, 1-based): chr11:108,353,780, C>T. VCF-style: chr11-108353780-C-T. GRCh37 (hg19) VCF-style: chr11-108224507-C-T.
Other names: c.8686C>T, p.Gln2896Ter (NM_001351834.2); c.640+32140G>A (NM_001330368.2); c.695-18488G>A (NM_001351110.2); short protein forms Q2896*.
Identifiers: ClinVar variation 1354222 (VCV001354222.7), dbSNP rs2137286457, ClinGen allele CA382523594.

ClinVar aggregate classification (germline): Pathogenic. Review status: criteria provided, multiple submitters, no conflicts (2 of 4 stars). 3 submissions from 3 submitters: Pathogenic (2). 1 of the submissions does not count toward it. Last evaluated 2025-06-16.

Conditions:
Familial cancer of breast. Also called: BREAST CANCER, FAMILIAL; Hereditary breast cancer; hereditary breast carcinoma. Identifiers: Orphanet 227535, MedGen C0346153, MONDO:0016419, OMIM 114480. Disease mechanism: loss of function.
Ataxia-telangiectasia syndrome (AT). Also called: Ataxia-telangiectasia; LOUIS-BAR SYNDROME; Ataxia-telangiectasia, complementation group D; AT, COMPLEMENTATION GROUP C; ATAXIA-TELANGIECTASIA, COMPLEMENTATION GROUP A; ATAXIA-TELANGIECTASIA, FRESNO VARIANT. Identifiers: Orphanet 100, MedGen C0004135, MONDO:0008840, OMIM 208900.
Malignant tumor of urinary bladder. Also called: Bladder cancer; Urinary Bladder Neoplasms; Urinary bladder cancer. Identifiers: MedGen C0005684, MONDO:0001187, OMIM 109800.

Submissions (3):

Labcorp Genetics (formerly Invitae), Labcorp
Classification: Pathogenic for Ataxia-telangiectasia syndrome. Last evaluated: 2025-06-16. Review status: criteria provided, single submitter. Criteria: Invitae Variant Classification Sherloc (09022015). Collection method: clinical testing. Allele origin: germline.
Comment: This sequence change creates a premature translational stop signal (p.Gln2896*) in the ATM gene. It is expected to result in an absent or disrupted protein product. Loss-of-function variants in ATM are known to be pathogenic (PMID: 23807571, 25614872). This variant is not present in population databases (gnomAD no frequency). This variant has not been reported in the literature in individuals affected with ATM-related conditions. ClinVar contains an entry for this variant (Variation ID: 1354222). For these reasons, this variant has been classified as Pathogenic.

Myriad Genetics, Inc.
Classification: Pathogenic for Familial cancer of breast. Last evaluated: 2024-02-05. Review status: criteria provided, single submitter. Criteria: Myriad Autosomal Dominant, Autosomal Recessive and X-Linked Classification Criteria (2023). Collection method: clinical testing. Allele origin: unknown.
Comment: This variant is considered pathogenic. This variant creates a termination codon and is predicted to result in premature protein truncation.

Laboratory of Urology, Hospital Clinic de Barcelona
Classification: Pathogenic for Malignant tumor of urinary bladder. Review status: no assertion criteria provided. Collection method: research. Allele origin: somatic. Affected: yes. Not counted in ClinVar's aggregate classification.

Literature cited by the submitters: PubMed 23807571 (cited by Labcorp Genetics (formerly Invitae), Labcorp); PubMed 25614872 (cited by Labcorp Genetics (formerly Invitae), Labcorp).